The following is an entry in ClinVar:

ClinVar aggregate classification (germline): Conflicting classifications of pathogenicity. Review status: criteria provided, conflicting classifications (1 of 4 stars). 2 submissions from 2 submitters: Uncertain significance (1); Likely benign (1). Last evaluated 2025-05-11.

gnomAD v4.1: 1 of 1,606,684 alleles (0.000062%); highest among the groups gnomAD compares: Non-Finnish European, 0.000085%; no homozygotes.

Submissions (2):

Labcorp Genetics (formerly Invitae), Labcorp
Classification: Uncertain significance. Last evaluated: 2025-05-11. Review status: criteria provided, single submitter. Criteria: Invitae Variant Classification Sherloc (09022015). Collection method: clinical testing. Allele origin: germline.
Comment: This sequence change falls in intron 58 of the COL11A1 gene. It does not directly change the encoded amino acid sequence of the COL11A1 protein. It affects a nucleotide within the consensus splice site. This variant is not present in population databases (gnomAD no frequency). This variant has not been reported in the literature in individuals affected with COL11A1-related conditions. Variants that disrupt the consensus splice site are a relatively common cause of aberrant splicing (PMID: 17576681, 9536098). Algorithms developed to predict the effect of sequence changes on RNA splicing suggest that this variant is not likely to affect RNA splicing. In summary, the available evidence is currently insufficient to determine the role of this variant in disease. Therefore, it has been classified as a Variant of Uncertain Significance.

Blueprint Genetics
Classification: Likely benign. Last evaluated: 2024-09-05. Review status: criteria provided, single submitter. Criteria: ACMG Guidelines, 2015. Collection method: clinical testing. Allele origin: germline.

Literature cited by the submitters: PubMed 17576681 (cited by Labcorp Genetics (formerly Invitae), Labcorp); PubMed 9536098 (cited by Labcorp Genetics (formerly Invitae), Labcorp).

NM_001854.4(COL11A1):c.4356+6A>C

Gene: COL11A1 (collagen type XI alpha 1 chain; minus strand). Cytogenetic location: 1p21.1.
Variant type: single nucleotide variant.
Coding change: c.4356+6A>C on transcript NM_001854.4 (MANE Select); 6 bases into the intron after coding-DNA position 4356, A replaced by C.
Molecular consequence: intron variant.
Genome position (GRCh38, 1-based): chr1:102,890,445, T>G on the plus strand (A>C on the coding strand, the complement: COL11A1 is on the minus strand). VCF-style: chr1-102890445-T-G. GRCh37 (hg19) VCF-style: chr1-103356001-T-G.
Other names: c.4239+6A>C (NM_001190709.2); c.4392+6A>C (NM_080629.3); c.4008+6A>C (NM_080630.4).
Identifiers: ClinVar variation 4777043 (VCV004777043.2).